The following is an entry in ClinVar:

ClinVar aggregate classification (germline): Uncertain significance (0 of 4 stars; one submission).

Conditions:
Breast ductal adenocarcinoma. Also called: Ductal breast carcinoma; Breast cancer, invasive ductal. Identifiers: MedGen C1527349, MONDO:0005590.

Submission:

Next Generation Diagnostics, Novartis Institutes for BioMedical Research, Inc.
Classification: Uncertain significance for Breast ductal adenocarcinoma. Last evaluated: 2015-07-20. Review status: no assertion criteria provided. Collection method: research. Allele origin: somatic. Affected: yes.
Comment: Loss of heterozygosity

chr19:44501518-45322744 complex variant

Genes: BCAM (basal cell adhesion molecule (Lutheran blood group); plus strand), BCL3 (BCL3 transcription coactivator; plus strand), CBLC (Cbl proto-oncogene C; plus strand), CEACAM16 (CEA cell adhesion molecule 16, tectorial membrane component; plus strand), CEACAM19 (CEA cell adhesion molecule 19; plus strand) and 19 more. Cytogenetic location: 19q13.31-13.32.
Variant type: Complex.
Identifiers: ClinVar variation 221352 (VCV000221352.2).